The following is an entry in ClinVar:

NM_000136.3(FANCC):c.1029C>G (p.Tyr343Ter)

Genes: FANCC (FA complementation group C; minus strand), AOPEP (aminopeptidase O (putative); plus strand). Cytogenetic location: 9q22.32.
Variant type: single nucleotide variant.
Coding change: c.1029C>G on transcript NM_000136.3 (MANE Select); coding-DNA position 1029, C replaced by G.
Protein change: p.Tyr343Ter; replaces tyrosine 343 with a stop codon.
Molecular consequence: nonsense.
Genome position (GRCh38, 1-based): chr9:95,117,358, G>C on the plus strand (C>G on the coding strand, the complement: FANCC is on the minus strand). VCF-style: chr9-95117358-G-C. GRCh37 (hg19) VCF-style: chr9-97879640-G-C.
Other names: c.1029C>G, p.Tyr343Ter (NM_001243743.2, NM_001243744.2); short protein forms Y343*.
Identifiers: ClinVar variation 1724483 (VCV001724483.2), dbSNP rs2072504418, ClinGen allele CA374108175.

ClinVar aggregate classification (germline): Likely pathogenic (1 of 4 stars; one submission).

Conditions:
Fanconi anemia complementation group C (FANCC). Also called: FANCC-Related Fanconi Anemia; Fanconi anemia, group C; FANCONI PANCYTOPENIA, TYPE 3; FACC. Identifiers: Orphanet 84, MedGen C3468041, MONDO:0009213, OMIM 227645.

Submission:

Myriad Genetics, Inc.
Classification: Likely pathogenic for Fanconi anemia complementation group C. Last evaluated: 2021-11-13. Review status: criteria provided, single submitter. Criteria: Myriad Women's Health Autosomal Recessive and X-Linked Classification Criteria (2021). Collection method: clinical testing. Allele origin: unknown.
Comment: NM_000136.2(FANCC):c.1029C>G(Y343*) is expected to be pathogenic in the context of Fanconi anemia, FANCC-related. This variant is predicted to lead to an abnormal or absent protein product due to the creation of a premature termination codon in FANCC, a gene where loss-of-function variants are known to be pathogenic. Please note: this variant was assessed in the context of healthy population screening.